The following is an entry in ClinVar:

NM_001429.4(EP300):c.35C>T (p.Ser12Leu)

Gene: EP300 (EP300 lysine acetyltransferase; plus strand). Cytogenetic location: 22q13.2.
Variant type: single nucleotide variant.
Coding change: c.35C>T on transcript NM_001429.4 (MANE Select); coding-DNA position 35, C replaced by T.
Protein change: p.Ser12Leu; replaces serine 12 with leucine.
Molecular consequence: missense variant.
Genome position (GRCh38, 1-based): chr22:41,093,039, C>T. VCF-style: chr22-41093039-C-T. GRCh37 (hg19) VCF-style: chr22-41489043-C-T.
Other names: c.35C>T, p.Ser12Leu (NM_001362843.2); short protein forms S12L.
Identifiers: ClinVar variation 4988266 (VCV004988266.1).

ClinVar aggregate classification (germline): Uncertain significance (1 of 4 stars; one submission).

Conditions:
EP300-related disorder. Also called: EP300-related condition; EP300-related disorders.

gnomAD v4.1: 18 of 1,614,062 alleles (0.0011%); highest among the groups gnomAD compares: East Asian, 0.0022%; no homozygotes.

Submission:

PreventionGenetics, part of Exact Sciences
Classification: Uncertain significance for EP300-related condition. Last evaluated: 2026-06-08. Review status: criteria provided, single submitter. Criteria: ACMG Guidelines, 2015. Collection method: clinical testing. Allele origin: germline.
Comment: The EP300 c.35C>T variant is predicted to result in the amino acid substitution p.Ser12Leu. To our knowledge, this variant has not been reported in the literature. This variant is reported in 0.0054% of alleles in individuals of East Asian descent in gnomAD. At this time, the clinical significance of this variant is uncertain due to the absence of conclusive functional and genetic evidence.